The following is an entry in ClinVar:

ClinVar aggregate classification (germline): Uncertain significance. Review status: criteria provided, multiple submitters, no conflicts (2 of 4 stars). 3 submissions from 3 submitters: Uncertain significance (3). Last evaluated 2026-06-11.

Conditions:
Inborn genetic diseases. Identifiers: MedGen C0950123, MeSH D030342.

Allele frequency attached by ClinVar (database versions not stated): gnomAD 0.00001; gnomAD exomes 0.00002 and 0.00004; TOPMed 0.00004; ExAC 0.00004.
gnomAD v4.1: 33 of 1,613,872 alleles (0.002%); highest among the groups gnomAD compares: Admixed American, 0.0083%; no homozygotes.

Submissions (3):

GeneDx
Classification: Uncertain significance. Last evaluated: 2026-06-11. Review status: criteria provided, single submitter. Criteria: GeneDx Variant Classification Process June 2021. Collection method: clinical testing. Allele origin: germline.
Comment: In silico analysis suggests that this missense variant does not alter protein structure/function; Has not been previously published as pathogenic or benign to our knowledge

Ambry Genetics
Classification: Uncertain significance for Inborn genetic diseases. Last evaluated: 2025-06-10. Review status: criteria provided, single submitter. Criteria: Ambry Variant Classification Scheme 2023. Collection method: clinical testing. Allele origin: germline.

Labcorp Genetics (formerly Invitae), Labcorp
Classification: Uncertain significance. Last evaluated: 2022-06-27. Review status: criteria provided, single submitter. Criteria: Invitae Variant Classification Sherloc (09022015). Collection method: clinical testing. Allele origin: germline.
Comment: This sequence change replaces valine, which is neutral and non-polar, with methionine, which is neutral and non-polar, at codon 2321 of the CDH23 protein (p.Val2321Met). This variant is present in population databases (rs752874104, gnomAD 0.01%). This variant has not been reported in the literature in individuals affected with CDH23-related conditions. Algorithms developed to predict the effect of missense changes on protein structure and function output the following: SIFT: "Deleterious"; PolyPhen-2: "Not Available"; Align-GVGD: "Class C0". The methionine amino acid residue is found in multiple mammalian species, which suggests that this missense change does not adversely affect protein function. In summary, the available evidence is currently insufficient to determine the role of this variant in disease. Therefore, it has been classified as a Variant of Uncertain Significance.

NM_022124.6(CDH23):c.6961G>A (p.Val2321Met)

Gene: CDH23 (cadherin related 23; plus strand). Cytogenetic location: 10q22.1.
Variant type: single nucleotide variant.
Coding change: c.6961G>A on transcript NM_022124.6 (MANE Select); coding-DNA position 6961, G replaced by A.
Protein change: p.Val2321Met; replaces valine 2321 with methionine.
Molecular consequence: missense variant.
Genome position (GRCh38, 1-based): chr10:71,798,485, G>A. VCF-style: chr10-71798485-G-A. GRCh37 (hg19) VCF-style: chr10-73558242-G-A.
Other names: c.6961G>A (NM_022124.5); c.241G>A, p.Val81Met (NM_001171933.1, NM_001171934.1); short protein forms V81M, V2321M.
Identifiers: ClinVar variation 1471685 (VCV001471685.6), dbSNP rs752874104, ClinGen allele CA5546227.